The following is an entry in ClinVar:

NM_001001331.4(ATP2B2):c.80C>A (p.Thr27Lys)

Gene: ATP2B2 (ATPase plasma membrane Ca2+ transporting 2; minus strand). Cytogenetic location: 3p25.3.
Variant type: single nucleotide variant.
Coding change: c.80C>A on transcript NM_001001331.4 (MANE Select); coding-DNA position 80, C replaced by A.
Protein change: p.Thr27Lys; replaces threonine 27 with lysine.
Molecular consequence: missense variant.
Genome position (GRCh38, 1-based): chr3:10,449,464, G>T on the plus strand (C>A on the coding strand, the complement: ATP2B2 is on the minus strand). VCF-style: chr3-10449464-G-T. GRCh37 (hg19) VCF-style: chr3-10491148-G-T.
Other names: c.80C>A, p.Thr27Lys (NM_001330611.3, NM_001353564.1, NM_001363862.1 and 1 more transcripts); short protein forms T27K.
Identifiers: ClinVar variation 3361084 (VCV003361084.1).
Genomic context (GRCh38, chr3:10,449,464, plus strand): 5'-TTGATCTTGACCACAGCCTCAGTGCCCCGCAGCTCCATGAGGGAGCGGAGCTCCTCCATT[G>T]TGCACCCGAACTCGCCCCCATGGCTCGACTCATTTCTTTGGTTTTTGGAGTAAAAGTCGC-3'
Protein context (NP_001001331.1, residues 17-37): ESSHGGEFGC[Thr27Lys]MEELRSLMEL

ClinVar aggregate classification (germline): Uncertain significance (1 of 4 stars; one submission).

Submission:

GeneDx
Classification: Uncertain significance. Last evaluated: 2023-07-13. Review status: criteria provided, single submitter. Criteria: GeneDx Variant Classification Process June 2021. Collection method: clinical testing. Allele origin: germline. Affected: yes.
Comment: Not observed at significant frequency in large population cohorts (gnomAD); In silico analysis supports that this missense variant has a deleterious effect on protein structure/function; Has not been previously published as pathogenic or benign to our knowledge